The following is an entry in ClinVar:

NM_001256317.3(TMPRSS3):c.280G>A (p.Gly94Arg)

Gene: TMPRSS3 (transmembrane serine protease 3; minus strand). Cytogenetic location: 21q22.3.
Variant type: single nucleotide variant.
Coding change: c.280G>A on transcript NM_001256317.3 (MANE Select); coding-DNA position 280, G replaced by A.
Protein change: p.Gly94Arg; replaces glycine 94 with arginine.
Molecular consequence: missense variant. On other transcripts: 5 prime UTR variant (1).
Genome position (GRCh38, 1-based): chr21:42,388,971, C>T on the plus strand (G>A on the coding strand, the complement: TMPRSS3 is on the minus strand). VCF-style: chr21-42388971-C-T. GRCh37 (hg19) VCF-style: chr21-43809080-C-T.
Other names: c.280G>A, p.Gly94Arg (NM_024022.4, NM_032405.2); c.-102G>A (NM_032404.3); c.280G>A (NM_001256317.1); short protein forms G94R.
Identifiers: ClinVar variation 440339 (VCV000440339.22), dbSNP rs143762350, ClinGen allele CA10042693.
Genomic context (GRCh38, chr21:42,388,971, plus strand): 5'-GAAGAGCCATGACCTTACCACAGCGGTACTCGTCCTCCCCGTCTTTGCAATCCGAGACTC[C>T]GTCACATCGAGCTATCAGCTCGATACACTTAAAGGATGAGCGACATCTGTACTTCCCTGA-3'
Protein context (NP_001243246.1, residues 84-104): KCIELIARCD[Gly94Arg]VSDCKDGEDE

ClinVar aggregate classification (germline): Uncertain significance. Review status: criteria provided, multiple submitters, no conflicts (2 of 4 stars). 9 submissions from 9 submitters: Uncertain significance (9). Last evaluated 2026-04-20.

Conditions:
TMPRSS3-related disorder. Also called: TMPRSS3-related condition.
Autosomal recessive nonsyndromic hearing loss 8 (DFNB8). Also called: NEUROSENSORY NONSYNDROMIC RECESSIVE DEAFNESS 8; Deafness, autosomal recessive 10. Identifiers: Orphanet 90636, MedGen C1832827, MONDO:0010987, OMIM 601072.

Allele frequency attached by ClinVar (database versions not stated): gnomAD 0.00011 and 0.00017; ExAC 0.00015; ESP Exome Variant Server 0.00015; TOPMed 0.00015; 1000 Genomes Project 30x 0.00016; gnomAD exomes 0.00019 and 0.00028; 1000 Genomes Project 0.00020.

Submissions (9):

PreventionGenetics, part of Exact Sciences
Classification: Uncertain significance for TMPRSS3-related condition. Last evaluated: 2026-04-20. Review status: criteria provided, single submitter. Criteria: ACMG Guidelines, 2015. Collection method: clinical testing. Allele origin: germline.
Comment: The TMPRSS3 c.280G>A variant is predicted to result in the amino acid substitution p.Gly94Arg. This variant has been reported in the compound heterozygous state with a second potentially causative TMPRSS3 variant in at least one individual with hearing loss (Table S2, Miyagawa et al. 2013. PubMed ID: 23967202; Miyagawa et al. 2015. PubMed ID: 25770132). This variant is reported in 0.033% of alleles in individuals of European (Non-Finnish) descent in gnomAD. At this time, the clinical significance of this variant is uncertain due to the absence of conclusive functional and genetic evidence.

Women's Health and Genetics/Laboratory Corporation of America, LabCorp
Classification: Uncertain significance. Last evaluated: 2025-05-13. Review status: criteria provided, single submitter. Criteria: LabCorp Variant Classification Summary - May 2015. Collection method: clinical testing. Allele origin: germline.
Comment: Variant summary: TMPRSS3 c.280G>A (p.Gly94Arg) results in a non-conservative amino acid change in the encoded protein sequence. Algorithms developed to predict the effect of missense changes on protein structure and function all suggest that this variant is likely to be disruptive. The variant allele was found at a frequency of 0.00019 in 251448 control chromosomes. This frequency is not significantly higher than estimated for a pathogenic variant in TMPRSS3 causing Deafness, Autosomal Recessive 8, allowing no conclusion about variant significance. c.280G>A has been observed in individual(s) affected with Deafness, Autosomal Recessive (Miyagawa_2015, Garcia-Garcia_2020). These data do not allow any conclusion about variant significance. To our knowledge, no experimental evidence demonstrating an impact on protein function has been reported. The following publications have been ascertained in the context of this evaluation (PMID: 33297549, 25770132, 23967202). ClinVar contains an entry for this variant (Variation ID: 440339). Based on the evidence outlined above, the variant was classified as uncertain significance.

GeneDx
Classification: Uncertain significance. Last evaluated: 2024-07-09. Review status: criteria provided, single submitter. Criteria: GeneDx Variant Classification Process June 2021. Collection method: clinical testing. Allele origin: germline. Affected: yes.
Comment: In silico analysis supports that this missense variant has a deleterious effect on protein structure/function; This variant is associated with the following publications: (PMID: 23967202, 34426522, 34868270, 25770132, 33297549)

Clinical Genetics Laboratory, Skane University Hospital Lund
Classification: Uncertain significance. Last evaluated: 2022-05-27. Review status: criteria provided, single submitter. Criteria: ACMG Guidelines, 2015. Collection method: clinical testing. Allele origin: germline. Affected: yes.

Labcorp Genetics (formerly Invitae), Labcorp
Classification: Uncertain significance. Last evaluated: 2022-04-25. Review status: criteria provided, single submitter. Criteria: Invitae Variant Classification Sherloc (09022015). Collection method: clinical testing. Allele origin: germline.
Comment: This sequence change replaces glycine, which is neutral and non-polar, with arginine, which is basic and polar, at codon 94 of the TMPRSS3 protein (p.Gly94Arg). This variant is present in population databases (rs143762350, gnomAD 0.03%). This missense change has been observed in individual(s) with hearing loss (PMID: 23967202, 25770132). ClinVar contains an entry for this variant (Variation ID: 440339). Advanced modeling of protein sequence and biophysical properties (such as structural, functional, and spatial information, amino acid conservation, physicochemical variation, residue mobility, and thermodynamic stability) performed at Invitae indicates that this missense variant is expected to disrupt TMPRSS3 protein function. In summary, the available evidence is currently insufficient to determine the role of this variant in disease. Therefore, it has been classified as a Variant of Uncertain Significance.

Fulgent Genetics
Classification: Uncertain significance for Autosomal recessive nonsyndromic hearing loss 8. Last evaluated: 2021-09-08. Review status: criteria provided, single submitter. Criteria: ACMG Guidelines, 2015. Collection method: clinical testing. Allele origin: unknown.

Laboratory for Molecular Medicine, Mass General Brigham Personalized Medicine
Classification: Uncertain significance. Last evaluated: 2019-01-04. Review status: criteria provided, single submitter. Criteria: LMM Criteria. Collection method: clinical testing. Allele origin: germline. Observed: 2 variant alleles.
Comment: The p.Gly94Arg variant in TMPRSS3 has been reported in at least 2 individuals wi th hearing loss (Miyagawa 2013, LMM data). It has also been identified in 0.03% (42/129164) of European chromosomes by gnomAD and has been reported in ClinVar (Variation ID: 440339). Computational predicti on tools and conservation analysis suggest that the p.Gly94Arg variant may impac t the protein, though this information is not predictive enough to determine pat hogenicity. In summary, the clinical significance of the p.Gly94Arg variant is u ncertain. ACMG/AMP criteria applied: PM2_Supporting, PP3.

Illumina Laboratory Services, Illumina
Classification: Uncertain significance for Autosomal recessive nonsyndromic hearing loss 8. Last evaluated: 2017-04-27. Review status: criteria provided, single submitter. Criteria: ICSL Variant Classification Criteria 13 December 2019. Collection method: clinical testing. Allele origin: germline.
Comment: This variant was observed as part of a predisposition screen in an ostensibly healthy population. A literature search was performed for the gene, cDNA change, and amino acid change (where applicable). Publications were found based on this search. However, the evidence from the literature, in combination with allele frequency data from public databases where available, was not sufficient to rule this variant in or out of causing disease. Therefore, this variant is classified as a variant of unknown significance.

ARUP Laboratories, Molecular Genetics and Genomics, ARUP Laboratories
Classification: Uncertain significance. Last evaluated: 2017-04-10. Review status: criteria provided, single submitter. Criteria: ARUP Molecular Germline Variant Investigation Process. Collection method: clinical testing. Allele origin: germline.

Literature cited by the submitters: PubMed 23967202 (cited by 4 submitters); PubMed 33297549 (cited by Women's Health and Genetics/Laboratory Corporation of America, LabCorp); PubMed 25770132 (cited by 4 submitters).